The following is an entry in ClinVar:

NM_001365276.2(TNXB):c.7399G>A (p.Gly2467Arg)

Gene: TNXB (tenascin XB; minus strand). Cytogenetic location: 6p21.33.
Variant type: single nucleotide variant.
Coding change: c.7399G>A on transcript NM_001365276.2 (MANE Select); coding-DNA position 7399, G replaced by A.
Protein change: p.Gly2467Arg; replaces glycine 2467 with arginine.
Molecular consequence: missense variant.
Genome position (GRCh38, 1-based): chr6:32,061,490, C>T on the plus strand (G>A on the coding strand, the complement: TNXB is on the minus strand). VCF-style: chr6-32061490-C-T. GRCh37 (hg19) VCF-style: chr6-32029267-C-T.
Other names: p.Gly2467Arg; c.7399G>A, p.Gly2467Arg (NM_019105.8); short protein forms G2467R.
Identifiers: ClinVar variation 2464122 (VCV002464122.7), dbSNP rs765865300, ClinGen allele CA3734166.

ClinVar aggregate classification (germline): Conflicting classifications of pathogenicity. Review status: criteria provided, conflicting classifications (1 of 4 stars). 4 submissions from 4 submitters: Uncertain significance (2); Benign (1). 1 of the submissions does not count toward it. Last evaluated 2026-04-13.

Conditions:
Cardiovascular phenotype. Identifiers: MedGen CN230736.
TNXB-related disorder. Also called: TNXB-related condition.

Allele frequency attached by ClinVar (database versions not stated): ExAC 0.00007.

Submissions (4):

Women's Health and Genetics/Laboratory Corporation of America, LabCorp
Classification: Uncertain significance. Last evaluated: 2026-04-13. Review status: criteria provided, single submitter. Criteria: LabCorp Variant Classification Summary - May 2015. Collection method: clinical testing. Allele origin: germline.
Comment: Variant summary: TNXB c.7399G>A (p.Gly2467Arg) results in a non-conservative amino acid change in the encoded protein sequence. Algorithms developed to predict the effect of missense changes on protein structure and function are either unavailable or do not agree on the potential impact of this missense change. The frequency data for this variant in gnomAD is considered unreliable, as metrics indicate poor data quality at this position. To our knowledge, no occurrence of c.7399G>A in individuals affected with TNXB-related conditions and no experimental evidence demonstrating its impact on protein function have been reported. ClinVar contains an entry for this variant (Variation ID: 2464122). Based on the evidence outlined above, the variant was classified as uncertain significance.

Mayo Clinic Laboratories, Mayo Clinic
Classification: Benign. Last evaluated: 2023-04-26. Review status: criteria provided, single submitter. Criteria: ACMG Guidelines, 2015. Collection method: clinical testing. Allele origin: germline. Observed: 8 variant alleles.
Comment: BS1, BS2, BP4

Ambry Genetics
Classification: Uncertain significance for Cardiovascular phenotype. Last evaluated: 2022-11-02. Review status: criteria provided, single submitter. Criteria: Ambry Variant Classification Scheme 2023. Collection method: clinical testing. Allele origin: germline.
Comment: The p.G2467R variant (also known as c.7399G>A), located in coding exon 20 of the TNXB gene, results from a G to A substitution at nucleotide position 7399. The glycine at codon 2467 is replaced by arginine, an amino acid with dissimilar properties. This amino acid position is conserved. In addition, this alteration is predicted to be tolerated by in silico analysis. Since supporting evidence is limited at this time, the clinical significance of this alteration remains unclear.

PreventionGenetics, part of Exact Sciences
Classification: Likely benign for TNXB-related condition. Last evaluated: 2019-03-04. Review status: no assertion criteria provided. Collection method: clinical testing. Allele origin: germline. Not counted in ClinVar's aggregate classification.
Comment: This variant is classified as likely benign based on ACMG/AMP sequence variant interpretation guidelines (Richards et al. 2015 PMID: 25741868, with internal and published modifications).